The following is an entry in ClinVar:

NM_020163.3(SEMA3G):c.1480A>G (p.Ile494Val)

Gene: SEMA3G (semaphorin 3G; minus strand). Cytogenetic location: 3p21.1.
Variant type: single nucleotide variant.
Coding change: c.1480A>G on transcript NM_020163.3 (MANE Select); coding-DNA position 1480, A replaced by G.
Protein change: p.Ile494Val; replaces isoleucine 494 with valine.
Molecular consequence: missense variant.
Genome position (GRCh38, 1-based): chr3:52,438,949, T>C on the plus strand (A>G on the coding strand, the complement: SEMA3G is on the minus strand). VCF-style: chr3-52438949-T-C. GRCh37 (hg19) VCF-style: chr3-52472965-T-C.
Other names: short protein forms I494V.
Identifiers: ClinVar variation 3354558 (VCV003354558.1).

ClinVar aggregate classification (germline): Uncertain significance (0 of 4 stars; one submission).

Conditions:
SEMA3G-related disorder. Also called: SEMA3G-related condition.

gnomAD v4.1: 1 of 1,613,500 alleles (0.000062%); highest among the groups gnomAD compares: Non-Finnish European, 0.000085%; no homozygotes.

Submission:

PreventionGenetics, part of Exact Sciences
Classification: Uncertain significance for SEMA3G-related condition. Last evaluated: 2023-11-10. Review status: no assertion criteria provided. Collection method: clinical testing. Allele origin: germline.
Comment: The SEMA3G c.1480A>G variant is predicted to result in the amino acid substitution p.Ile494Val. To our knowledge, this variant has not been reported in the literature or in a large population database, indicating this variant is rare. At this time, the clinical significance of this variant is uncertain due to the absence of conclusive functional and genetic evidence.